The following is an entry in ClinVar:

NM_000059.4(BRCA2):c.4716C>G (p.Ala1572=)

Gene: BRCA2 (BRCA2 DNA repair associated; plus strand). Cytogenetic location: 13q13.1.
Variant type: single nucleotide variant.
Coding change: c.4716C>G on transcript NM_000059.4 (MANE Select); coding-DNA position 4716, C replaced by G.
Protein change: p.Ala1572=; no amino-acid change (alanine 1572 retained).
Molecular consequence: synonymous variant.
Genome position (GRCh38, 1-based): chr13:32,339,071, C>G. VCF-style: chr13-32339071-C-G. GRCh37 (hg19) VCF-style: chr13-32913208-C-G.
Identifiers: ClinVar variation 382488 (VCV000382488.20), dbSNP rs1057521370, ClinGen allele CA16606427.

ClinVar aggregate classification (germline): Likely benign. Review status: criteria provided, multiple submitters, no conflicts (2 of 4 stars). 7 submissions from 7 submitters: Likely benign (6). 1 of the submissions does not count toward it. Last evaluated 2025-07-21.

Conditions:
Hereditary cancer-predisposing syndrome. Also called: Hereditary Cancer Syndrome; Tumor predisposition; Neoplastic Syndromes, Hereditary; Hereditary neoplastic syndrome. Identifiers: Orphanet 140162, MedGen C0027672, MeSH D009386, MONDO:0015356.
Hereditary breast ovarian cancer syndrome. Also called: Hereditary breast and ovarian cancer syndrome; BRCA1- and BRCA2-Associated Hereditary Breast and Ovarian Cancer; Hereditary breast and ovarian cancer; Breast and ovarian cancer; Hereditary breast and ovarian cancer syndrome (HBOC); Hereditary breast and/or ovarian cancer syndrome. Identifiers: Orphanet 145, MedGen C0677776, MeSH D061325, MONDO:0003582. Disease mechanism: loss of function.
Breast-ovarian cancer, familial, susceptibility to, 2 (BROVCA2). Also called: BRCA2 Hereditary Breast and Ovarian Cancer. Identifiers: Orphanet 145, MedGen C2675520, MONDO:0012933, OMIM 612555. Disease mechanism: loss of function.

Allele frequency attached by ClinVar (database versions not stated): gnomAD 0.00001; gnomAD exomes 0.00001.
gnomAD v4.1: 11 of 1,613,912 alleles (0.00068%); highest among the groups gnomAD compares: Non-Finnish European, 0.00085%; no homozygotes.

Submissions (7):

Labcorp Genetics (formerly Invitae), Labcorp
Classification: Likely benign for Hereditary breast ovarian cancer syndrome. Last evaluated: 2025-07-21. Review status: criteria provided, single submitter. Criteria: Invitae Variant Classification Sherloc (09022015). Collection method: clinical testing. Allele origin: germline.

Color Diagnostics, LLC DBA Color Health
Classification: Likely benign for Hereditary cancer-predisposing syndrome. Last evaluated: 2025-06-23. Review status: criteria provided, single submitter. Criteria: ACMG Guidelines, 2015. Collection method: clinical testing. Allele origin: germline.

Quest Diagnostics Nichols Institute San Juan Capistrano
Classification: Likely benign. Last evaluated: 2020-11-28. Review status: criteria provided, single submitter. Criteria: Quest Diagnostics criteria. Collection method: clinical testing. Allele origin: unknown.

Genetics and Molecular Pathology, SA Pathology
Classification: Likely benign for Breast-ovarian cancer, familial, susceptibility to, 2. Last evaluated: 2020-02-21. Review status: criteria provided, single submitter. Criteria: ACMG Guidelines, 2015. Collection method: clinical testing. Allele origin: germline. Inheritance: Autosomal dominant inheritance. Affected: yes.

Ambry Genetics
Classification: Likely benign for Hereditary cancer-predisposing syndrome. Last evaluated: 2016-01-27. Review status: criteria provided, single submitter. Criteria: Ambry Variant Classification Scheme 2023. Collection method: clinical testing. Allele origin: germline.

GeneDx
Classification: Likely benign. Last evaluated: 2015-12-18. Review status: criteria provided, single submitter. Criteria: GeneDx Variant Classification (06012015). Collection method: clinical testing. Allele origin: germline. Affected: yes.
Comment: This variant is considered likely benign or benign based on one or more of the following criteria: it is a conservative change, it occurs at a poorly conserved position in the protein, it is predicted to be benign by multiple in silico algorithms, and/or has population frequency not consistent with disease.

Department of Pathology and Laboratory Medicine, Sinai Health System
Classification: Likely benign. Review status: no assertion criteria provided. Collection method: clinical testing. Allele origin: unknown. Affected: yes. Study: The Canadian Open Genetics Repository (COGR). Not counted in ClinVar's aggregate classification.
Comment: The BRCA2 p.Ala1572= variant was not identified in the literature nor was it identified in the LOVD 3.0 or UMD-LSDB databases. The variant was identified in dbSNP (ID: rs1057521370) as â€šÃ„ÃºWith Likely benign alleleâ€šÃ„Ã¹ and ClinVar (as likely benign by GeneDx and Ambry Genetics). The variant was identified in control databases in 3 of 245890 chromosomes at a frequency of 0.00001 (Genome Aggregation Database Feb 27, 2017). The variant was observed in the following populations: European (Non-Finnish) in 3 of 111440 chromosomes (freq: 0.00003), but not in the African, Other, Latino, Ashkenazi Jewish, East Asian, European (Finnish), or South Asian populations. The p.Ala1572= variant is not expected to have clinical significance because it does not result in a change of amino acid and is not located in a known consensus splice site. In addition, in silico or computational prediction software programs (SpliceSiteFinder, MaxEntScan, NNSPLICE, GeneSplicer) do not predict a difference in splicing. In summary, based on the above information, the clinical significance of this variant cannot be determined with certainty at this time although we would lean towards a more benign role for this variant. This variant is classified as likely benign.